The following is an entry in ClinVar:

NM_001267550.2(TTN):c.35875+2T>C

Gene: TTN (titin; minus strand). Cytogenetic location: 2q31.2.
Variant type: single nucleotide variant.
Coding change: c.35875+2T>C on transcript NM_001267550.2 (MANE Select); the canonical splice donor site of the intron after coding-DNA position 35875, T replaced by C.
Molecular consequence: splice donor variant. On other transcripts: intron variant (5).
Genome position (GRCh38, 1-based): chr2:178,666,822, A>G on the plus strand (T>C on the coding strand, the complement: TTN is on the minus strand). VCF-style: chr2-178666822-A-G. GRCh37 (hg19) VCF-style: chr2-179531549-A-G.
Other names: c.13283-24505T>C (NM_003319.4); c.13859-24505T>C (NM_133437.4); c.13658-24505T>C (NM_133432.3); c.31483+3396T>C (NM_133378.4); c.34264+3396T>C (NM_001256850.1).
Identifiers: ClinVar variation 2446658 (VCV002446658.1), dbSNP rs780842435, ClinGen allele CA1997717.

ClinVar aggregate classification (germline): Likely pathogenic (1 of 4 stars; one submission).

Allele frequency attached by ClinVar (database versions not stated): gnomAD exomes below 0.00001; gnomAD 0.00001; ExAC 0.00009.
gnomAD v4.1: 4 of 1,558,512 alleles (0.00026%); highest among the groups gnomAD compares: East Asian, 0.0094%; no homozygotes.

Submission:

GeneDx
Classification: Likely pathogenic. Last evaluated: 2022-09-29. Review status: criteria provided, single submitter. Criteria: GeneDx Variant Classification Process June 2021. Collection method: clinical testing. Allele origin: germline. Affected: yes.
Comment: Canonical splice site variant expected to result in aberrant splicing, although in the absence of functional evidence the actual effect of this sequence change is unknown.; Located in a region of TTN in which the majority of pathogenic variants have been reported in association with autosomal recessive titinopathies (Fernandez-Marmiesse et al., 2017; Chervinsky et al., 2018; Bryen, et al., 2020; Savarese et al., 2020); Not observed at significant frequency in large population cohorts (gnomAD); Has not been previously published as pathogenic or benign to our knowledge; This variant is associated with the following publications: (PMID: 28040389, 29575618, 31660661, 32778822)